The following is an entry in ClinVar:

ClinVar aggregate classification (germline): Likely pathogenic. Review status: reviewed by expert panel (3 of 4 stars). 2 submissions from 2 submitters: Likely pathogenic (1). 1 of the submissions does not count toward it. Last evaluated 2025-02-11.

Conditions:
Bernard Soulier syndrome (BSS). Also called: BLEEDING DISORDER, PLATELET-TYPE, 1; PLATELET GLYCOPROTEIN Ib DEFICIENCY; VON WILLEBRAND FACTOR RECEPTOR DEFICIENCY; Giant platelet syndrome; Hemorrhagiparous thrombocytic dystrophy; Giant platelet disease. Identifiers: Orphanet 274, MedGen C0005129, MeSH D001606, MONDO:0009276, OMIM 231200.

Submissions (2):

ClinGen Platelet Disorders Variant Curation Expert Panel, ClinGen
Classification: Likely pathogenic for Bernard Soulier syndrome. Last evaluated: 2025-02-11. Review status: reviewed by expert panel. Criteria: ClinGen Platelet ACMG Specifications GP1BA V1.0.0. Collection method: curation. Allele origin: germline. Inheritance: Autosomal recessive inheritance.
Comment: The c.165_168del (p.Ser55ArgfsTer12) variant in GP1BA is a frameshift variant that may cause a premature stop codon that is predicted to escape nonsense mediated decay, however it is a truncation of a functionally important region (removes the final 598 amino acids) in a gene where loss-of-function is an established disease mechanism (PVS1_Strong). At least one patient (Patient 1 in PMID: 11054083) with this variant had aggregation absent for ristocetin and present for all other agonists, which is highly specific for Bernard-Soulier syndrome (PP4). They also had a history of recurrent epistaxis and spontaneous skin bruises and a low platelet count (84x10^9/l). This variant has been detected in at least 2 probands with Bernard-Soulier syndrome. One of those individuals was compound heterozygous for this variant and the c.1601_1602del (p.Tyr534CysfsTer?) variant in GP1BA, confirmed in trans by parental testing (PMID: 11054083). This second variant was classified as Pathogenic by the VCEP. (not included here to avoid circularity). The other proband was homozygous for the c.165_168del (p.Ser55ArgfsTer12) variant (PMID: 18791947; PM3_Supporting). This variant is absent from gnomAD v4.1.0 (PM2_Supporting). From PMID: 11054083, flow cytometric analysis was performed for GP Iba on CHO cells transiently transfected with the WT + c.165_168del (p.Ser55ArgfsTer12), which had around 60% WT expression levels above sham. They also tested c.165_168del + c.1601_1602del, which had around 5% WT expression levels above sham. Due to the methods used in this assay (where c.165_168del was not tested independently), the usual threshold of <25% WT levels to apply PS3_supporting is not the appropriate measure. The 60% expression of WT + c.165_168del is considered sufficient, particularly in light of the c.165_168del + c.1601_1602del, which had around 5% WT expression levels (PS3_supporting). In summary, this variant meets the criteria to be classified as Likely Pathogenic for autosomal recessive Bernard-Soulier syndrome based on the ACMG/AMP criteria applied, as specified by the ClinGen PD VCEP: PVS1_Strong, PP4, PM2_Supporting and PM3_Supporting, PS3_Supporting (VCEP specifications version 1).

Labcorp Genetics (formerly Invitae), Labcorp
Classification: Pathogenic. Last evaluated: 2023-03-03. Review status: criteria provided, single submitter. Criteria: Invitae Variant Classification Sherloc (09022015). Collection method: clinical testing. Allele origin: germline. Not counted in ClinVar's aggregate classification.
Comment: Experimental studies have shown that this premature translational stop signal affects GP1BA function (PMID: 11054083). Algorithms developed to predict the effect of variants on protein structure and function are not available or were not evaluated for this variant. This variant is also known as p.Ser39fs. This premature translational stop signal has been observed in individuals with Bernard-Soulier syndrome (PMID: 11054083, 18791947). This variant is not present in population databases (gnomAD no frequency). This sequence change creates a premature translational stop signal (p.Ser55Argfs*12) in the GP1BA gene. While this is not anticipated to result in nonsense mediated decay, it is expected to disrupt the last 598 amino acid(s) of the GP1BA protein. This variant disrupts a region of the GP1BA protein in which other variant(s) (p.Trp540*) have been determined to be pathogenic (PMID: 9233564, 9639514). This suggests that this is a clinically significant region of the protein, and that variants that disrupt it are likely to be disease-causing. For these reasons, this variant has been classified as Pathogenic.

Literature cited by the submitters: PubMed 11054083 (cited by ClinGen Platelet Disorders Variant Curation Expert Panel, ClinGen and Labcorp Genetics (formerly Invitae), Labcorp); PubMed 18791947 (cited by Labcorp Genetics (formerly Invitae), Labcorp); PubMed 9233564 (cited by Labcorp Genetics (formerly Invitae), Labcorp); PubMed 9639514 (cited by Labcorp Genetics (formerly Invitae), Labcorp).

NM_000173.7(GP1BA):c.165_168del (p.Ser55fs)

Gene: GP1BA (glycoprotein Ib platelet subunit alpha; plus strand). Cytogenetic location: 17p13.2.
Variant type: Microsatellite.
Coding change: c.165_168del on transcript NM_000173.7 (MANE Select); coding-DNA positions 165 to 168, 4 bases deleted (TGAG; older notation c.165_168delTGAG).
Protein change: p.Ser55fs; shifts the reading frame from serine 55.
Molecular consequence: frameshift variant.
Genome position (GRCh38, 1-based): chr17:4,932,769-4,932,772, TGAG deleted; deleting any 4 consecutive bases within chr17:4,932,765-4,932,772 gives the same sequence; the c. name uses the placement nearest the transcript's 3' end. VCF-style (leftmost placement, unchanged base first): chr17-4932764-CTGAG-C. GRCh37 (hg19) VCF-style: chr17-4836059-CTGAG-C.
Other names: NM_000173.7(GP1BA):c.165_168del; p.Ser55fs; short protein forms S55fs.
Identifiers: ClinVar variation 2736403 (VCV002736403.4), dbSNP rs2151107696, ClinGen allele CA658820730.